The following is an entry in ClinVar:

NM_000268.4(NF2):c.1305G>A (p.Val435=)

Gene: NF2 (NF2, moesin-ezrin-radixin like (MERLIN) tumor suppressor; plus strand). Cytogenetic location: 22q12.2.
Variant type: single nucleotide variant.
Coding change: c.1305G>A on transcript NM_000268.4 (MANE Select); coding-DNA position 1305, G replaced by A.
Protein change: p.Val435=; no amino-acid change (valine 435 retained).
Molecular consequence: synonymous variant. On other transcripts: intron variant (1).
Genome position (GRCh38, 1-based): chr22:29,673,451, G>A. VCF-style: chr22-29673451-G-A. GRCh37 (hg19) VCF-style: chr22-30069440-G-A.
Other names: c.1056G>A, p.Val352= (NM_001407064.1, NM_181830.3, NM_181831.3 and 1 more transcripts); c.771G>A, p.Val257= (NM_001407065.1); c.1305G>A, p.Val435= (NM_001407066.1, NM_016418.5, NM_181825.3 and 2 more transcripts); c.1074G>A, p.Val358= (NM_001407067.1); c.1179G>A, p.Val393= (NM_181828.3, NM_001407055.1); c.1182G>A, p.Val394= (NM_181829.3, NM_001407054.1, NM_001407058.1); c.448-21301G>A (NM_181833.3); c.1191G>A, p.Val397= (NM_001407053.1, NM_001407056.1); and 2 more.
Identifiers: ClinVar variation 4803486 (VCV004803486.1).
Genomic context (GRCh38, chr22:29,673,451, plus strand): 5'-AGCGATTCGCACGGAGGAGGAGAAGCGCCTGATGGAGCAGAAGGTGCTGGAAGCCGAGGT[G>A]CTGGCACTGAAGATGGCTGAGGAGTCAGAGAGGAGGTGAGGGGGCACCGGGCACCAGACT-3'
Protein context (NP_000259.1, residues 425-445): LMEQKVLEAE[Val435=]LALKMAEESE

ClinVar aggregate classification (germline): Uncertain significance (1 of 4 stars; one submission).

Conditions:
Neurofibromatosis, type 2 (SWNV). Also called: BILATERAL ACOUSTIC NEUROFIBROMATOSIS; NF2-Related Schwannomatosis; SCHWANNOMATOSIS, VESTIBULAR. Identifiers: Orphanet 637, MedGen C0027832, MONDO:0007039, OMIM 101000. Disease mechanism: loss of function.

Submission:

Labcorp Genetics (formerly Invitae), Labcorp
Classification: Uncertain significance for Neurofibromatosis, type 2. Last evaluated: 2025-09-05. Review status: criteria provided, single submitter. Criteria: Invitae Variant Classification Sherloc (09022015). Collection method: clinical testing. Allele origin: germline.
Comment: This sequence change affects codon 435 of the NF2 mRNA. It is a 'silent' change, meaning that it does not change the encoded amino acid sequence of the NF2 protein. This variant is not present in population databases (gnomAD no frequency). This variant has not been reported in the literature in individuals affected with NF2-related conditions. Algorithms developed to predict the effect of sequence changes on RNA splicing suggest that this variant may create or strengthen a splice site. In summary, the available evidence is currently insufficient to determine the role of this variant in disease. Therefore, it has been classified as a Variant of Uncertain Significance.